The following is an entry in ClinVar:

ClinVar aggregate classification (germline): Uncertain significance. Review status: criteria provided, single submitter (1 of 4 stars). 2 submissions from 2 submitters: Uncertain significance (1). 1 of the submissions does not count toward it. Last evaluated 2023-09-10.

Conditions:
RECQL4-related disorder. Also called: RECQL4-related condition; RECQL4-related disorders.
Baller-Gerold syndrome (BGS). Also called: CRANIOSYNOSTOSIS WITH RADIAL DEFECTS. Identifiers: Orphanet 1225, MedGen C0265308, MONDO:0009039, OMIM 218600.

gnomAD v4.1: 1 of 1,580,498 alleles (0.000063%); highest among the groups gnomAD compares: East Asian, 0.0023%; no homozygotes.

Submissions (2):

Labcorp Genetics (formerly Invitae), Labcorp
Classification: Uncertain significance for Baller-Gerold syndrome. Last evaluated: 2023-09-10. Review status: criteria provided, single submitter. Criteria: Invitae Variant Classification Sherloc (09022015). Collection method: clinical testing. Allele origin: germline.
Comment: In summary, the available evidence is currently insufficient to determine the role of this variant in disease. Therefore, it has been classified as a Variant of Uncertain Significance. Advanced modeling of protein sequence and biophysical properties (such as structural, functional, and spatial information, amino acid conservation, physicochemical variation, residue mobility, and thermodynamic stability) performed at Invitae indicates that this missense variant is not expected to disrupt RECQL4 protein function. ClinVar contains an entry for this variant (Variation ID: 1378936). This variant has not been reported in the literature in individuals affected with RECQL4-related conditions. This variant is present in population databases (rs757540549, gnomAD 0.007%). This sequence change replaces arginine, which is basic and polar, with glycine, which is neutral and non-polar, at codon 848 of the RECQL4 protein (p.Arg848Gly).

PreventionGenetics, part of Exact Sciences
Classification: Uncertain significance for RECQL4-related condition. Last evaluated: 2024-05-10. Review status: no assertion criteria provided. Collection method: clinical testing. Allele origin: germline. Not counted in ClinVar's aggregate classification.
Comment: The RECQL4 c.2542C>G variant is predicted to result in the amino acid substitution p.Arg848Gly. To our knowledge, this variant has not been reported in the literature. This variant is reported in 0.0068% of alleles in individuals of East Asian descent in gnomAD. At this time, the clinical significance of this variant is uncertain due to the absence of conclusive functional and genetic evidence.

NM_004260.4(RECQL4):c.2542C>G (p.Arg848Gly)

Gene: RECQL4 (RecQ like helicase 4; minus strand). Cytogenetic location: 8q24.3.
Variant type: single nucleotide variant.
Coding change: c.2542C>G on transcript NM_004260.4 (MANE Select); coding-DNA position 2542, C replaced by G.
Protein change: p.Arg848Gly; replaces arginine 848 with glycine.
Molecular consequence: missense variant.
Genome position (GRCh38, 1-based): chr8:144,513,060, G>C on the plus strand (C>G on the coding strand, the complement: RECQL4 is on the minus strand). VCF-style: chr8-144513060-G-C. GRCh37 (hg19) VCF-style: chr8-145738443-G-C.
Other names: c.2542C>G (NM_004260.3); short protein forms R848G.
Identifiers: ClinVar variation 1378936 (VCV001378936.6), dbSNP rs757540549, ClinGen allele CA4948196.
Genomic context (GRCh38, chr8:144,513,060, plus strand): 5'-CGGCCCCTTCCTGCTCCGAGGGCGGCCTGGTGCAGGTGCAGGTGCAGGCTGGGAACACGC[G>C]CTGTACCAGCCTCTTCACAGCCAGGAAGTCCGTGCTGTCGGCGTGCACATGTCTGCGCAG-3'
Protein context (NP_004251.4, residues 838-858): DFLAVKRLVQ[Arg848Gly]VFPACTCTCT